The following is an entry in ClinVar:

ClinVar aggregate classification (germline): Uncertain significance. Review status: criteria provided, multiple submitters, no conflicts (2 of 4 stars). 5 submissions from 5 submitters: Uncertain significance (5). Last evaluated 2025-10-17.

Conditions:
Inborn genetic diseases. Identifiers: MedGen C0950123, MeSH D030342.
Beckwith-Wiedemann syndrome (BWS). Also called: EMG SYNDROME; Exomphalos macroglossia gigantism syndrome. Identifiers: Orphanet 116, MedGen C0004903, MONDO:0007534, OMIM 130650.
IMAGe syndrome. Also called: Intrauterine growth retardation, metaphyseal dysplasia, adrenal hypoplasia congenita, and genital anomalies; Intrauterine Growth Restriction, Metaphyseal Dysplasia, Adrenal Hypoplasia Congenita, and Genital Anomalies. Identifiers: Orphanet 85173, MedGen C1846009, MONDO:0013873, OMIM 614732.

Allele frequency attached by ClinVar (database versions not stated): gnomAD exomes below 0.00001; gnomAD 0.00001 and 0.00002; TOPMed 0.00004.

Submissions (5):

Labcorp Genetics (formerly Invitae), Labcorp
Classification: Uncertain significance for Beckwith-Wiedemann syndrome. Last evaluated: 2025-10-17. Review status: criteria provided, single submitter. Criteria: Invitae Variant Classification Sherloc (09022015). Collection method: clinical testing. Allele origin: germline.
Comment: This sequence change replaces proline, which is neutral and non-polar, with arginine, which is basic and polar, at codon 192 of the CDKN1C protein (p.Pro192Arg). The frequency data for this variant in the population databases is considered unreliable, as metrics indicate insufficient coverage at this position in the gnomAD database. This variant has not been reported in the literature in individuals affected with CDKN1C-related conditions. ClinVar contains an entry for this variant (Variation ID: 572297). Invitae Evidence Modeling of protein sequence and biophysical properties (such as structural, functional, and spatial information, amino acid conservation, physicochemical variation, residue mobility, and thermodynamic stability) indicates that this missense variant is not expected to disrupt CDKN1C protein function with a negative predictive value of 80%. In summary, the available evidence is currently insufficient to determine the role of this variant in disease. Therefore, it has been classified as a Variant of Uncertain Significance.

Ambry Genetics
Classification: Uncertain significance for Inborn genetic diseases. Last evaluated: 2025-02-20. Review status: criteria provided, single submitter. Criteria: Ambry Variant Classification Scheme 2023. Collection method: clinical testing. Allele origin: germline.

Fulgent Genetics
Classification: Uncertain significance for Beckwith-Wiedemann syndrome; IMAGe syndrome. Last evaluated: 2024-06-18. Review status: criteria provided, single submitter. Criteria: ACMG Guidelines, 2015. Collection method: clinical testing. Allele origin: germline.

New York Genome Center
Classification: Uncertain significance for Beckwith-Wiedemann syndrome. Last evaluated: 2020-06-19. Review status: criteria provided, single submitter. Criteria: NYGC Assertion Criteria 2020. Collection method: clinical testing. Allele origin: inherited. Observed: 1 heterozygote. Study: CSER-NYCKidSeq.

Breakthrough Genomics
Classification: Uncertain significance. Review status: criteria provided, single submitter. Criteria: ACMG Guidelines, 2015. Collection method: not provided. Allele origin: germline. Inheritance: Autosomal dominant inheritance. Affected: yes.

NM_001122630.2(CDKN1C):c.542C>G (p.Pro181Arg)

Gene: CDKN1C (cyclin dependent kinase inhibitor 1C; minus strand). Cytogenetic location: 11p15.4.
Variant type: single nucleotide variant.
Coding change: c.542C>G on transcript NM_001122630.2 (MANE Select); coding-DNA position 542, C replaced by G.
Protein change: p.Pro181Arg; replaces proline 181 with arginine.
Molecular consequence: missense variant. On other transcripts: intron variant (1).
Genome position (GRCh38, 1-based): chr11:2,884,915, G>C on the plus strand (C>G on the coding strand, the complement: CDKN1C is on the minus strand). VCF-style: chr11-2884915-G-C. GRCh37 (hg19) VCF-style: chr11-2906145-G-C.
Other names: c.575C>G, p.Pro192Arg (LRG_533t1, NM_000076.2, NM_001362474.2); c.542C>G, p.Pro181Arg (NM_001122631.2); c.255+287C>G (NM_001362475.2); short protein forms P192R, P181R.
Identifiers: ClinVar variation 572297 (VCV000572297.16), dbSNP rs1377428359, ClinGen allele CA379146434.